The following is an entry in ClinVar:

NM_002834.5(PTPN11):c.1224+15G>A

Gene: PTPN11 (protein tyrosine phosphatase non-receptor type 11; plus strand). Cytogenetic location: 12q24.13.
Variant type: single nucleotide variant.
Coding change: c.1224+15G>A on transcript NM_002834.5 (MANE Select); 15 bases into the intron after coding-DNA position 1224, G replaced by A.
Molecular consequence: intron variant.
Genome position (GRCh38, 1-based): chr12:112,482,220, G>A. VCF-style: chr12-112482220-G-A. GRCh37 (hg19) VCF-style: chr12-112920024-G-A.
Other names: c.1224+15G>A (NM_001330437.2, NM_080601.3); c.1221+15G>A (NM_001374625.1).
Identifiers: ClinVar variation 227883 (VCV000227883.18), dbSNP rs373271861, ClinGen allele CA6798739.

ClinVar aggregate classification (germline): Benign/Likely benign. Review status: criteria provided, multiple submitters, no conflicts (2 of 4 stars). 7 submissions from 7 submitters: Benign (1); Likely benign (6). Last evaluated 2026-01-04.

Conditions:
LEOPARD syndrome 1 (LPRD1). Also called: LENTIGINOSIS, CARDIOMYOPATHIC; MULTIPLE LENTIGINES SYNDROME; PTPN11-Related LEOPARD Syndrome. Identifiers: Orphanet 500, MedGen C4551484, MONDO:0100082, OMIM 151100.
Juvenile myelomonocytic leukemia (JMML). Also called: LEUKEMIA, JUVENILE MYELOMONOCYTIC, SOMATIC. Identifiers: Orphanet 86834, MedGen C0349639, MONDO:0011908, OMIM 607785, HP:0012209.
Metachondromatosis (METCDS). Identifiers: Orphanet 2499, MedGen C0410530, MONDO:0007979, OMIM 156250.
Noonan syndrome 1 (NS1). Also called: FEMALE PSEUDO-TURNER SYNDROME; TURNER PHENOTYPE WITH NORMAL KARYOTYPE; PTPN11-Related Noonan Syndrome. Identifiers: Orphanet 648, MedGen C4551602, MONDO:0008104, OMIM 163950. Disease mechanism: gain of function.
RASopathy. Also called: rasopathies; Noonan spectrum disorder. Identifiers: Orphanet 536391, MedGen C5555857, MONDO:0021060.

Allele frequency attached by ClinVar (database versions not stated): ExAC 0.00004; gnomAD exomes 0.00004 and 0.00007; TOPMed 0.00008; gnomAD 0.00011 and 0.00012; ESP Exome Variant Server 0.00031.
gnomAD v4.1: 114 of 1,610,290 alleles (0.0071%); highest among the groups gnomAD compares: Middle Eastern, 0.016%; no homozygotes.

Submissions (7):

Labcorp Genetics (formerly Invitae), Labcorp
Classification: Likely benign for RASopathy. Last evaluated: 2026-01-04. Review status: criteria provided, single submitter. Criteria: Invitae Variant Classification Sherloc (09022015). Collection method: clinical testing. Allele origin: germline.

Women's Health and Genetics/Laboratory Corporation of America, LabCorp
Classification: Likely benign. Last evaluated: 2024-12-12. Review status: criteria provided, single submitter. Criteria: LabCorp Variant Classification Summary - May 2015. Collection method: clinical testing. Allele origin: germline.

Blueprint Genetics
Classification: Likely benign. Last evaluated: 2024-10-11. Review status: criteria provided, single submitter. Criteria: ACMG Guidelines, 2015. Collection method: clinical testing. Allele origin: germline.

Fulgent Genetics
Classification: Likely benign for LEOPARD syndrome 1; Metachondromatosis; Noonan syndrome 1; Juvenile myelomonocytic leukemia. Last evaluated: 2022-05-16. Review status: criteria provided, single submitter. Criteria: ACMG Guidelines, 2015. Collection method: clinical testing. Allele origin: unknown.

Centre for Mendelian Genomics, University Medical Centre Ljubljana
Classification: Benign for LEOPARD syndrome 1. Last evaluated: 2018-11-07. Review status: criteria provided, single submitter. Criteria: ACMG Guidelines, 2015. Collection method: clinical testing. Allele origin: unknown. Affected: yes.
Comment: This variant was classified as: Benign. The following ACMG criteria were applied in classifying this variant: BS1,BS2,A.

Laboratory for Molecular Medicine, Mass General Brigham Personalized Medicine
Classification: Likely benign. Last evaluated: 2016-01-19. Review status: criteria provided, single submitter. Criteria: LMM Criteria. Collection method: clinical testing. Allele origin: germline. Observed: 2 variant alleles.
Comment: c.1224+15G>A in Intron 10 of PTPN11: This variant is not expected to have clinic al significance because a change at this position does not diverge from the spli ce consensus sequence and is therefore unlikely to impact splicing. Furthermore, aberrant splicing is not a known disease mechanism for Noonan syndrome. This va riant has been identified in 5/66706 European chromosomes by the Exome Aggregati on Consortium (ExAC; dbSNP rs373271861).

GeneDx
Classification: Likely benign. Last evaluated: 2015-11-03. Review status: criteria provided, single submitter. Criteria: GeneDx Variant Classification (06012015). Collection method: clinical testing. Allele origin: germline. Affected: yes.
Comment: This variant is considered likely benign or benign based on one or more of the following criteria: it is a conservative change, it occurs at a poorly conserved position in the protein, it is predicted to be benign by multiple in silico algorithms, and/or has population frequency not consistent with disease.